The following is an entry in ClinVar:

ClinVar aggregate classification (germline): Uncertain significance. Review status: criteria provided, multiple submitters, no conflicts (2 of 4 stars). 2 submissions from 2 submitters: Uncertain significance (2). Last evaluated 2025-01-05.

Conditions:
Hypertrophic cardiomyopathy. Also called: HYPERTROPHIC MYOCARDIOPATHY. Identifiers: Orphanet 217569, MedGen C0007194, MeSH D002312, MONDO:0005045, HP:0001639.

Allele frequency attached by ClinVar (database versions not stated): gnomAD exomes below 0.00001; ExAC 0.00001.
gnomAD v4.1: 1 of 1,608,920 alleles (0.000062%); highest among the groups gnomAD compares: Admixed American, 0.0017%; no homozygotes.

Submissions (2):

Labcorp Genetics (formerly Invitae), Labcorp
Classification: Uncertain significance for Hypertrophic cardiomyopathy. Last evaluated: 2025-01-05. Review status: criteria provided, single submitter. Criteria: Invitae Variant Classification Sherloc (09022015). Collection method: clinical testing. Allele origin: germline.
Comment: This sequence change falls in intron 10 of the MYH7 gene. It does not directly change the encoded amino acid sequence of the MYH7 protein. It affects a nucleotide within the consensus splice site. This variant is present in population databases (rs779651013, gnomAD 0.003%). This variant has not been reported in the literature in individuals affected with MYH7-related conditions. ClinVar contains an entry for this variant (Variation ID: 2444565). Variants that disrupt the consensus splice site are a relatively common cause of aberrant splicing (PMID: 17576681, 9536098). Algorithms developed to predict the effect of sequence changes on RNA splicing suggest that this variant may disrupt the consensus splice site. In summary, the available evidence is currently insufficient to determine the role of this variant in disease. Therefore, it has been classified as a Variant of Uncertain Significance.

GeneDx
Classification: Uncertain significance. Last evaluated: 2022-09-15. Review status: criteria provided, single submitter. Criteria: GeneDx Variant Classification Process June 2021. Collection method: clinical testing. Allele origin: germline. Affected: yes.
Comment: Not observed at significant frequency in large population cohorts (gnomAD); In silico analysis supports a deleterious effect on splicing; Has not been previously published as pathogenic or benign to our knowledge

Literature cited by the submitters: PubMed 17576681 (cited by Labcorp Genetics (formerly Invitae), Labcorp); PubMed 9536098 (cited by Labcorp Genetics (formerly Invitae), Labcorp).

NM_000257.4(MYH7):c.895+5G>A

Gene: MYH7 (myosin heavy chain 7; minus strand). Cytogenetic location: 14q11.2.
Variant type: single nucleotide variant.
Coding change: c.895+5G>A on transcript NM_000257.4 (MANE Select); 5 bases into the intron after coding-DNA position 895, G replaced by A.
Molecular consequence: intron variant.
Genome position (GRCh38, 1-based): chr14:23,430,896, C>T on the plus strand (G>A on the coding strand, the complement: MYH7 is on the minus strand). VCF-style: chr14-23430896-C-T. GRCh37 (hg19) VCF-style: chr14-23900105-C-T.
Identifiers: ClinVar variation 2444565 (VCV002444565.3), dbSNP rs779651013, ClinGen allele CA049524.